The following is an entry in ClinVar:

NM_001136018.4(EPHX1):c.583T>C (p.Ser195Pro)

Gene: EPHX1 (epoxide hydrolase 1; plus strand). Cytogenetic location: 1q42.12.
Variant type: single nucleotide variant.
Coding change: c.583T>C on transcript NM_001136018.4 (MANE Select); coding-DNA position 583, T replaced by C.
Protein change: p.Ser195Pro; replaces serine 195 with proline.
Molecular consequence: missense variant. On other transcripts: non-coding transcript variant (3), intron variant (2).
Genome position (GRCh38, 1-based): chr1:225,838,872, T>C. VCF-style: chr1-225838872-T-C. GRCh37 (hg19) VCF-style: chr1-226026573-T-C.
Other names: c.583T>C, p.Ser195Pro (NM_000120.4, NM_001291163.2, NM_001378426.1 and 3 more transcripts); c.556T>C, p.Ser186Pro (NM_001378428.1); c.365-345T>C (NM_001378431.1); c.365-3494T>C (NM_001378432.1); short protein forms S195P, S186P.
Identifiers: ClinVar variation 4981148 (VCV004981148.1).
Genomic context (GRCh38, chr1:225,838,872, plus strand): 5'-GAGCACGTTTTTGAAGTCATCTGCCCTTCCATCCCTGGCTATGGCTTCTCAGAGGCATCC[T>C]CCAAGAAGGGTACGGGGCTGCTAGAGGTTCCATAACTGCCCCGTCCTCGCCAAGGGTGGG-3'
Protein context (NP_001129490.1, residues 185-205): IPGYGFSEAS[Ser195Pro]KKGFNSVATA

ClinVar aggregate classification (germline): Likely benign (1 of 4 stars; one submission).

Conditions:
EPHX1-related disorder. Also called: EPHX1-related condition.

gnomAD v4.1: 1,215 of 1,614,112 alleles (0.075%); highest among the groups gnomAD compares: African/African-American, 1.2%; 5 homozygotes.

Submission:

PreventionGenetics, part of Exact Sciences
Classification: Likely benign for EPHX1-related condition. Last evaluated: 2026-01-06. Review status: criteria provided, single submitter. Criteria: ACMG Guidelines, 2015. Collection method: clinical testing. Allele origin: germline.
Comment: This variant is classified as likely benign based on ACMG/AMP sequence variant interpretation guidelines (Richards et al. 2015 PMID: 25741868, with internal and published modifications).